The following is an entry in ClinVar:

NM_001754.5(RUNX1):c.*940G>A

Gene: RUNX1 (RUNX family transcription factor 1; minus strand). Cytogenetic location: 21q22.12.
Variant type: single nucleotide variant.
Coding change: c.*940G>A on transcript NM_001754.5 (MANE Select); 940 bases downstream of the stop codon, G replaced by A.
Molecular consequence: 3 prime UTR variant.
Genome position (GRCh38, 1-based): chr21:34,791,195, C>T on the plus strand (G>A on the coding strand, the complement: RUNX1 is on the minus strand). VCF-style: chr21-34791195-C-T. GRCh37 (hg19) VCF-style: chr21-36163492-C-T.
Other names: c.*940G>A (NM_001001890.3).
Identifiers: ClinVar variation 895827 (VCV000895827.5), dbSNP rs566702179, ClinGen allele CA320250528.

ClinVar aggregate classification (germline): Benign. Review status: reviewed by expert panel (3 of 4 stars). 2 submissions from 2 submitters: Benign (1). 1 of the submissions does not count toward it. Last evaluated 2022-01-20.

Conditions:
Hereditary thrombocytopenia and hematologic cancer predisposition syndrome. Identifiers: Orphanet 71290, MedGen CN281654, MONDO:0011071.
Hereditary thrombocytopenia and hematological cancer predisposition syndrome associated with RUNX1. Also called: PLATELET DISORDER, ASPIRIN-LIKE; RUNX1 Familial Platelet Disorder with Associated Myeloid Malignancies; Familial Platelet Disorder with Propensity to Acute Myelogenous Leukemia; Familial thrombocytopenia with propensity to acute myelogenous leukemia. Identifiers: Orphanet 71290, MedGen C1832388, MeSH C563324, MONDO:0100083, OMIM 601399.

Allele frequency attached by ClinVar (database versions not stated): gnomAD below 0.00001 and 0.00007; TOPMed 0.00002; gnomAD exomes 0.00008; 1000 Genomes Project 30x 0.00062; 1000 Genomes Project 0.00080.
gnomAD v4.1: 17 of 233,458 alleles (0.0073%); highest among the groups gnomAD compares: South Asian, 0.29%; no homozygotes.

Submissions (2):

ClinGen Myeloid Malignancy Variant Curation Expert Panel
Classification: Benign for Hereditary thrombocytopenia and hematologic cancer predisposition syndrome. Last evaluated: 2022-01-20. Review status: reviewed by expert panel. Criteria: ClinGen MyeloMalig ACMG Specifications v2. Collection method: curation. Allele origin: germline. Inheritance: Autosomal dominant inheritance.
Comment: NM_001754.5(RUNX1):c.*940G>A is a 3' UTR variant. MAF of 0.002277(0.2277%, 11/4830, 152154 alleles) in the South Asian subpopulation of the gnomad v3.1.2 is cohort is >= 0.0015 (0.15%). In summary, this variant meets criteria to be classified as benign. ACMG/AMP criteria applied, as specified by the Myeloid Malignancy Variant Curation Expert Panel for RUNX1: BA1

Illumina Laboratory Services, Illumina
Classification: Benign for Hereditary thrombocytopenia and hematological cancer predisposition syndrome associated with RUNX1. Last evaluated: 2018-01-12. Review status: criteria provided, single submitter. Criteria: ICSL Variant Classification Criteria 13 December 2019. Collection method: clinical testing. Allele origin: germline. Not counted in ClinVar's aggregate classification.
Comment: This variant was observed in the ICSL laboratory as part of a predisposition screen in an ostensibly healthy population. It had not been previously curated by ICSL or reported in the Human Gene Mutation Database (HGMD: prior to June 1st, 2018), and was therefore a candidate for classification through an automated scoring system. Utilizing variant allele frequency, disease prevalence and penetrance estimates, and inheritance mode, an automated score was calculated to assess if this variant is too frequent to cause the disease. Based on the score and internal cut-off values, a variant classified as benign is not then subjected to further curation. The score for this variant resulted in a classification of benign for this disease.